The following is an entry in ClinVar:

NM_006118.4(HAX1):c.661G>A (p.Gly221Arg)

Gene: HAX1 (HCLS1 associated protein X-1; plus strand). Cytogenetic location: 1q21.3.
Variant type: single nucleotide variant.
Coding change: c.661G>A on transcript NM_006118.4 (MANE Select); coding-DNA position 661, G replaced by A.
Protein change: p.Gly221Arg; replaces glycine 221 with arginine.
Molecular consequence: missense variant.
Genome position (GRCh38, 1-based): chr1:154,275,258, G>A. VCF-style: chr1-154275258-G-A. GRCh37 (hg19) VCF-style: chr1-154247734-G-A.
Other names: c.517G>A, p.Gly173Arg (NM_001018837.2); short protein forms G221R, G173R.
Identifiers: ClinVar variation 4033857 (VCV004033857.1).

ClinVar aggregate classification (germline): Uncertain significance (1 of 4 stars; one submission).

Conditions:
Inborn genetic diseases. Identifiers: MedGen C0950123, MeSH D030342.

Submission:

Ambry Genetics
Classification: Uncertain significance for Inborn genetic diseases. Last evaluated: 2025-05-09. Review status: criteria provided, single submitter. Criteria: Ambry Variant Classification Scheme 2023. Collection method: clinical testing. Allele origin: germline.
Comment: The p.G221R variant (also known as c.661G>A), located in coding exon 5 of the HAX1 gene, results from a G to A substitution at nucleotide position 661. The glycine at codon 221 is replaced by arginine, an amino acid with dissimilar properties. This amino acid position is conserved. In addition, this alteration is predicted to be deleterious by in silico analysis. Based on the available evidence, the clinical significance of this variant remains unclear.